The following is an entry in ClinVar:

ClinVar aggregate classification (germline): Pathogenic (1 of 4 stars; one submission).

Submission:

GeneDx
Classification: Pathogenic. Last evaluated: 2013-05-09. Review status: criteria provided, single submitter. Criteria: GeneDx Variant Classification (06012015). Collection method: clinical testing. Allele origin: germline. Affected: yes.
Comment: p.Glu231Gly (GAG>GGG): c.692 A>G in exon 5 of the KCNQ2 gene (NM_172107.2)The Glu231Gly missense change has not been published as a mutation, nor has it been reported as a benign polymorphism to our knowledge. It was not observed in approximately 6,500 individuals of European and African American ancestry in the NHLBI Exome Sequencing Project, indicating it is not a common benign variant in these populations. The amino acid substitution is non-conservative, as a negatively charged Glutamic acid residue is replaced by an uncharged, non-polar Glycine residue. It alters a highly conserved position in the loop between the S4 and S5 transmembrane segments, and another missense mutation in this region of the protein (H228Q) has been previously reported in association with benign familial neonatal seizures. Several in silico algorithms predict Glu231Gly may be damaging to protein structure/function, while another model predicts it may be benign. Therefore, based on the currently available information, Glu231Gly is a strong candidate for a disease-causing mutation, although the possibility that it is a benign variant cannot be excluded. The variant is found in EPILEPSY panel(s).

NM_172107.4(KCNQ2):c.692A>G (p.Glu231Gly)

Gene: KCNQ2 (potassium voltage-gated channel subfamily Q member 2; minus strand). Cytogenetic location: 20q13.33.
Variant type: single nucleotide variant.
Coding change: c.692A>G on transcript NM_172107.4 (MANE Select); coding-DNA position 692, A replaced by G.
Protein change: p.Glu231Gly; replaces glutamic acid 231 with glycine.
Molecular consequence: missense variant.
Genome position (GRCh38, 1-based): chr20:63,442,530, T>C on the plus strand (A>G on the coding strand, the complement: KCNQ2 is on the minus strand). VCF-style: chr20-63442530-T-C. GRCh37 (hg19) VCF-style: chr20-62073883-T-C.
Other names: p.E231G:GAG>GGG; c.692A>G, p.Glu231Gly (NM_004518.6, NM_172106.3, NM_172108.5 and 1 more transcripts); short protein forms E231G.
Identifiers: ClinVar variation 205876 (VCV000205876.2), dbSNP rs796052629, ClinGen allele CA315377.